The following is an entry in ClinVar:

NM_206926.2(SELENON):c.627G>A (p.Pro209=)

Gene: SELENON (selenoprotein N; plus strand). Cytogenetic location: 1p36.11.
Variant type: single nucleotide variant.
Coding change: c.627G>A on transcript NM_206926.2 (MANE Select); coding-DNA position 627, G replaced by A.
Protein change: p.Pro209=; no amino-acid change (proline 209 retained).
Molecular consequence: synonymous variant.
Genome position (GRCh38, 1-based): chr1:25,808,771, G>A. VCF-style: chr1-25808771-G-A. GRCh37 (hg19) VCF-style: chr1-26135262-G-A.
Other names: p.Pro243=; c.729G>A, p.Pro243= (NM_020451.3).
Identifiers: ClinVar variation 261284 (VCV000261284.33), dbSNP rs139020143, ClinGen allele CA696606.

ClinVar aggregate classification (germline): Conflicting classifications of pathogenicity. Review status: criteria provided, conflicting classifications (1 of 4 stars). 9 submissions from 9 submitters: Uncertain significance (2); Benign (2); Likely benign (4). 1 of the submissions does not count toward it. Last evaluated 2026-01-26.

Conditions:
SEPN1-related disorder. Also called: SEPN1-Related Disorders. Identifiers: MedGen CN239420.
SELENON-related disorder. Also called: SELENON-related condition.
Eichsfeld type congenital muscular dystrophy (CMYO3). Also called: MYOPATHY, SEPN1-RELATED; SELENON-related myopathy; Congenital myopathy 3 with rigid spine; Rigid spine muscular dystrophy 1. Identifiers: MedGen C0410180, MONDO:0100100, OMIM 602771.

Allele frequency attached by ClinVar (database versions not stated): gnomAD exomes 0.00049 and 0.00072; 1000 Genomes Project 30x 0.00062; ExAC 0.00078; 1000 Genomes Project 0.00080; gnomAD 0.00128 and 0.00131; ESP Exome Variant Server 0.00129; TOPMed 0.00143.
gnomAD v4.1: 936 of 1,613,778 alleles (0.058%); highest among the groups gnomAD compares: African/African-American, 0.3%; 4 homozygotes.

Submissions (9):

Labcorp Genetics (formerly Invitae), Labcorp
Classification: Benign for Eichsfeld type congenital muscular dystrophy. Last evaluated: 2026-01-26. Review status: criteria provided, single submitter. Criteria: Invitae Variant Classification Sherloc (09022015). Collection method: clinical testing. Allele origin: germline.

CeGaT Center for Human Genetics Tuebingen
Classification: Likely benign. Last evaluated: 2025-09-01. Review status: criteria provided, single submitter. Criteria: CeGaT Center For Human Genetics Tuebingen Variant Classification Criteria Version 2. Collection method: clinical testing. Allele origin: germline. Affected: yes. Observed: 1 variant allele.
Comment: SELENON: BP4, BP7

Mayo Clinic Laboratories, Mayo Clinic
Classification: Likely benign. Last evaluated: 2025-03-14. Review status: criteria provided, single submitter. Criteria: ACMG Guidelines, 2015. Collection method: clinical testing. Allele origin: germline. Observed: 2 variant alleles.
Comment: BS1, BP4, BP7

Blueprint Genetics
Classification: Likely benign. Last evaluated: 2024-10-30. Review status: criteria provided, single submitter. Criteria: ACMG Guidelines, 2015. Collection method: clinical testing. Allele origin: germline.

Athena Diagnostics
Classification: Benign. Last evaluated: 2018-12-29. Review status: criteria provided, single submitter. Criteria: Athena Diagnostics Criteria. Collection method: clinical testing. Allele origin: germline.

GeneDx
Classification: Likely benign. Last evaluated: 2018-03-13. Review status: criteria provided, single submitter. Criteria: GeneDx Variant Classification (06012015). Collection method: clinical testing. Allele origin: germline. Affected: yes.
Comment: This variant is considered likely benign or benign based on one or more of the following criteria: it is a conservative change, it occurs at a poorly conserved position in the protein, it is predicted to be benign by multiple in silico algorithms, and/or has population frequency not consistent with disease.

Illumina Laboratory Services, Illumina
Classification: Uncertain significance for SEPN1-Related Disorders. Last evaluated: 2018-01-12. Review status: criteria provided, single submitter. Criteria: ICSL Variant Classification Criteria 13 December 2019. Collection method: clinical testing. Allele origin: germline.

Eurofins Ntd Llc (ga)
Classification: Uncertain significance. Last evaluated: 2015-12-22. Review status: criteria provided, single submitter. Criteria: EGL Classification Definitions 2015. Collection method: clinical testing. Allele origin: germline. Observed: 1 variant allele, 1 heterozygote.

PreventionGenetics, part of Exact Sciences
Classification: Likely benign for SELENON-related condition. Last evaluated: 2019-05-21. Review status: no assertion criteria provided. Collection method: clinical testing. Allele origin: germline. Not counted in ClinVar's aggregate classification.
Comment: This variant is classified as likely benign based on ACMG/AMP sequence variant interpretation guidelines (Richards et al. 2015 PMID: 25741868, with internal and published modifications).